The following is an entry in ClinVar:

ClinVar aggregate classification (germline): Pathogenic (1 of 4 stars; one submission).

Submission:

Labcorp Genetics (formerly Invitae), Labcorp
Classification: Pathogenic. Last evaluated: 2023-12-15. Review status: criteria provided, single submitter. Criteria: Invitae Variant Classification Sherloc (09022015). Collection method: clinical testing. Allele origin: germline.
Comment: This sequence change creates a premature translational stop signal (p.Asp634Argfs*14) in the MTTP gene. It is expected to result in an absent or disrupted protein product. Loss-of-function variants in MTTP are known to be pathogenic (PMID: 8533758, 9671739). This variant is not present in population databases (gnomAD no frequency). This variant has not been reported in the literature in individuals affected with MTTP-related conditions. For these reasons, this variant has been classified as Pathogenic.

Literature cited by the submitters: PubMed 8533758; PubMed 9671739.

NM_001386140.1(MTTP):c.1898dup (p.Asp634fs)

Gene: MTTP (microsomal triglyceride transfer protein; plus strand). Cytogenetic location: 4q23.
Variant type: Duplication.
Coding change: c.1898dup on transcript NM_001386140.1 (MANE Select); coding-DNA position 1898, one base duplicated (T; older notation c.1898dupT).
Protein change: p.Asp634fs; shifts the reading frame from aspartic acid 634.
Molecular consequence: frameshift variant.
Genome position (GRCh38, 1-based): chr4:99,611,362, T duplicated. VCF-style (leftmost placement, unchanged base first): chr4-99611361-C-CT. GRCh37 (hg19) VCF-style: chr4-100532518-C-CT.
Other names: c.1898dup, p.Asp634fs (NM_000253.4); c.1649dup, p.Asp551fs (NM_001300785.2); short protein forms D551fs, D634fs.
Identifiers: ClinVar variation 2703419 (VCV002703419.3), dbSNP rs2476145822, ClinGen allele CA2697546810.